The following is an entry in ClinVar:

ClinVar aggregate classification (germline): Pathogenic (1 of 4 stars; one submission).

Conditions:
Autosomal recessive nonsyndromic hearing loss 3. Also called: NEUROSENSORY NONSYNDROMIC RECESSIVE DEAFNESS 3. Identifiers: Orphanet 90636, MedGen C1838263, MONDO:0010860, OMIM 600316.

Submission:

Institute of Rare Diseases, West China Hospital, Sichuan University
Classification: Pathogenic for Autosomal recessive nonsyndromic hearing loss 3. Last evaluated: 2025-01-09. Review status: criteria provided, single submitter. Criteria: ClinGen HL ACMG Specifications v1. Collection method: research. Allele origin: germline. Affected: yes.
Comment: PVS1;PM3_Supporting;PM2_Supporting

NM_016239.4(MYO15A):c.6792G>A (p.Trp2264Ter)

Gene: MYO15A (myosin XVA; plus strand). Cytogenetic location: 17p11.2.
Variant type: single nucleotide variant.
Coding change: c.6792G>A on transcript NM_016239.4 (MANE Select); coding-DNA position 6792, G replaced by A.
Protein change: p.Trp2264Ter; replaces tryptophan 2264 with a stop codon.
Molecular consequence: nonsense.
Genome position (GRCh38, 1-based): chr17:18,148,788, G>A. VCF-style: chr17-18148788-G-A. GRCh37 (hg19) VCF-style: chr17-18052102-G-A.
Other names: short protein forms W2264*.
Identifiers: ClinVar variation 3601381 (VCV003601381.1).